The following is an entry in ClinVar:

NM_002472.3(MYH8):c.2174dup (p.Tyr725Ter)

Genes: MYH8 (myosin heavy chain 8; minus strand), MYHAS (myosin heavy chain gene cluster antisense RNA; plus strand). Cytogenetic location: 17p13.1.
Variant type: Duplication.
Coding change: c.2174dup on transcript NM_002472.3 (MANE Select); coding-DNA position 2174, one base duplicated (A; older notation c.2174dupA).
Protein change: p.Tyr725Ter; replaces tyrosine 725 with a stop codon.
Molecular consequence: nonsense.
Genome position (GRCh38, 1-based): chr17:10,406,395, T duplicated on the plus strand (A on the coding strand, the reverse complement: MYH8 is on the minus strand). VCF-style (leftmost placement, unchanged base first): chr17-10406394-G-GT. GRCh37 (hg19) VCF-style: chr17-10309711-G-GT.
Other names: short protein forms Y725*.
Identifiers: ClinVar variation 720534 (VCV000720534.13), dbSNP rs565515290, ClinGen allele CA8387831.

ClinVar aggregate classification (germline): Benign/Likely benign. Review status: criteria provided, multiple submitters, no conflicts (2 of 4 stars). 3 submissions from 3 submitters: Benign (1); Likely benign (2). Last evaluated 2026-02-20.

Conditions:
MYH8-related disorder. Also called: MYH8-related condition.

Allele frequency attached by ClinVar (database versions not stated): gnomAD exomes 0.00027 and 0.00062; ExAC 0.00076; 1000 Genomes Project 0.00220; 1000 Genomes Project 30x 0.00234; gnomAD 0.00249 and 0.00261; TOPMed 0.00290; ESP Exome Variant Server 0.00367.

Submissions (3):

PreventionGenetics, part of Exact Sciences
Classification: Likely benign for MYH8-related condition. Last evaluated: 2026-02-20. Review status: criteria provided, single submitter. Criteria: ACMG Guidelines, 2015. Collection method: clinical testing. Allele origin: germline.
Comment: This variant is classified as likely benign based on ACMG/AMP sequence variant interpretation guidelines (Richards et al. 2015 PMID: 25741868, with internal and published modifications).

CeGaT Center for Human Genetics Tuebingen
Classification: Likely benign. Last evaluated: 2025-04-01. Review status: criteria provided, single submitter. Criteria: CeGaT Center For Human Genetics Tuebingen Variant Classification Criteria Version 2. Collection method: clinical testing. Allele origin: germline. Affected: yes. Observed: 1 variant allele.
Comment: MYH8: BS2

Labcorp Genetics (formerly Invitae), Labcorp
Classification: Benign. Last evaluated: 2019-12-31. Review status: criteria provided, single submitter. Criteria: Invitae Variant Classification Sherloc (09022015). Collection method: clinical testing. Allele origin: germline.